The following is an entry in ClinVar:

ClinVar aggregate classification (germline): Uncertain significance (1 of 4 stars; one submission).

gnomAD v4.1: 3 of 1,611,366 alleles (0.00019%); highest among the groups gnomAD compares: South Asian, 0.0033%; no homozygotes.

Submission:

Labcorp Genetics (formerly Invitae), Labcorp
Classification: Uncertain significance. Last evaluated: 2022-06-13. Review status: criteria provided, single submitter. Criteria: Invitae Variant Classification Sherloc (09022015). Collection method: clinical testing. Allele origin: germline.
Comment: Algorithms developed to predict the effect of missense changes on protein structure and function are either unavailable or do not agree on the potential impact of this missense change (SIFT: "Deleterious"; PolyPhen-2: "Probably Damaging"; Align-GVGD: "Class C0"). In summary, the available evidence is currently insufficient to determine the role of this variant in disease. Therefore, it has been classified as a Variant of Uncertain Significance. ClinVar contains an entry for this variant (Variation ID: 1026884). This variant has not been reported in the literature in individuals affected with CERKL-related conditions. This variant is present in population databases (rs768174254, gnomAD 0.003%). This sequence change replaces asparagine, which is neutral and polar, with lysine, which is basic and polar, at codon 303 of the CERKL protein (p.Asn303Lys).

NM_201548.5(CERKL):c.831T>A (p.Asn277Lys)

Gene: CERKL (CERK like autophagy regulator; minus strand). Cytogenetic location: 2q31.3.
Variant type: single nucleotide variant.
Coding change: c.831T>A on transcript NM_201548.5 (MANE Select); coding-DNA position 831, T replaced by A.
Protein change: p.Asn277Lys; replaces asparagine 277 with lysine.
Molecular consequence: missense variant. On other transcripts: non-coding transcript variant (2).
Genome position (GRCh38, 1-based): chr2:181,549,698, A>T on the plus strand (T>A on the coding strand, the complement: CERKL is on the minus strand). VCF-style: chr2-181549698-A-T. GRCh37 (hg19) VCF-style: chr2-182414425-A-T.
Other names: c.909T>A, p.Asn303Lys (NM_001030311.3); c.492T>A, p.Asn164Lys (NM_001030312.3); c.624T>A, p.Asn208Lys (NM_001030313.3); c.777T>A, p.Asn259Lys (NM_001160277.2); short protein forms N164K, N208K, N259K, N277K, N303K.
Identifiers: ClinVar variation 1026884 (VCV001026884.10), dbSNP rs768174254, ClinGen allele CA2010643.